The following is an entry in ClinVar:

ClinVar aggregate classification (germline): Uncertain significance (1 of 4 stars; one submission).

Conditions:
Nemaline myopathy 6 (NEM6). Also called: Nemaline myopathy 6, autosomal dominant. Identifiers: Orphanet 171439, MedGen C1836472, MONDO:0012237, OMIM 609273.

Submission:

Labcorp Genetics (formerly Invitae), Labcorp
Classification: Uncertain significance for Nemaline myopathy 6. Last evaluated: 2025-01-06. Review status: criteria provided, single submitter. Criteria: Invitae Variant Classification Sherloc (09022015). Collection method: clinical testing. Allele origin: germline.
Comment: This sequence change creates a premature translational stop signal (p.Trp238Serfs*202) in the KBTBD13 gene. While this is not anticipated to result in nonsense mediated decay, it is expected to disrupt the last 221 amino acid(s) of the KBTBD13 protein. This variant is present in population databases (no rsID available, gnomAD 0.03%). This variant has not been reported in the literature in individuals affected with KBTBD13-related conditions. In summary, the available evidence is currently insufficient to determine the role of this variant in disease. Therefore, it has been classified as a Variant of Uncertain Significance.

NM_001101362.3(KBTBD13):c.705_711del (p.Trp238fs)

Gene: KBTBD13 (kelch repeat and BTB domain containing 13; plus strand). Cytogenetic location: 15q22.31.
Variant type: Deletion.
Coding change: c.705_711del on transcript NM_001101362.3 (MANE Select); coding-DNA positions 705 to 711, 7 bases deleted (CGGCACG; older notation c.705_711delCGGCACG).
Protein change: p.Trp238fs; shifts the reading frame from tryptophan 238.
Molecular consequence: frameshift variant.
Genome position (GRCh38, 1-based): chr15:65,077,520-65,077,526, CGGCACG deleted; deleting any 7 consecutive bases within chr15:65,077,519-65,077,526 gives the same sequence; the c. name uses the placement nearest the transcript's 3' end. VCF-style (leftmost placement, unchanged base first): chr15-65077518-GGCGGCAC-G. GRCh37 (hg19) VCF-style: chr15-65369856-GGCGGCAC-G.
Other names: short protein forms W238fs.
Identifiers: ClinVar variation 3719013 (VCV003719013.2).